The following is an entry in ClinVar:

NM_182961.4(SYNE1):c.6985A>T (p.Asn2329Tyr)

Gene: SYNE1 (spectrin repeat containing nuclear envelope protein 1; minus strand). Cytogenetic location: 6q25.2.
Variant type: single nucleotide variant.
Coding change: c.6985A>T on transcript NM_182961.4 (MANE Select); coding-DNA position 6985, A replaced by T.
Protein change: p.Asn2329Tyr; replaces asparagine 2329 with tyrosine.
Molecular consequence: missense variant.
Genome position (GRCh38, 1-based): chr6:152,401,182, T>A on the plus strand (A>T on the coding strand, the complement: SYNE1 is on the minus strand). VCF-style: chr6-152401182-T-A. GRCh37 (hg19) VCF-style: chr6-152722317-T-A.
Other names: c.7006A>T, p.Asn2336Tyr (NM_033071.5); short protein forms N2329Y, N2336Y.
Identifiers: ClinVar variation 4087939 (VCV004087939.1).

ClinVar aggregate classification (germline): Uncertain significance (1 of 4 stars; one submission).

gnomAD v4.1: 1 of 1,614,168 alleles (0.000062%); highest among the groups gnomAD compares: Non-Finnish European, 0.000085%; no homozygotes.

Submission:

GeneDx
Classification: Uncertain significance. Last evaluated: 2025-03-27. Review status: criteria provided, single submitter. Criteria: GeneDx Variant Classification Process June 2021. Collection method: clinical testing. Allele origin: germline. Affected: yes.
Comment: Not observed at significant frequency in large population cohorts (gnomAD); In silico analysis supports that this missense variant has a deleterious effect on protein structure/function; Has not been previously published as pathogenic or benign to our knowledge